The following is an entry in ClinVar:

NM_152594.3(SPRED1):c.1281_*4dup (p.His427_Ter445=)

Gene: SPRED1 (sprouty related EVH1 domain containing 1; plus strand). Cytogenetic location: 15q14.
Variant type: Duplication.
Coding change: c.1281_*4dup on transcript NM_152594.3 (MANE Select); coding-DNA position 1281 through 4 bases downstream of the stop codon, 59 bases duplicated.
Protein change: p.His427_Ter445=.
Molecular consequence: no sequence alteration.
Genome position (GRCh38, 1-based): chr15:38,351,610-38,351,668, 59 bases duplicated. GRCh37 (hg19): chr15:38,643,811-38,643,869.
Identifiers: ClinVar variation 917813 (VCV000917813.1), dbSNP rs1888490960, ClinGen allele CA1139663833.

ClinVar aggregate classification (germline): Uncertain significance (1 of 4 stars; one submission).

Submission:

Women's Health and Genetics/Laboratory Corporation of America, LabCorp
Classification: Uncertain significance. Last evaluated: 2020-04-06. Review status: criteria provided, single submitter. Criteria: LabCorp Variant Classification Summary - May 2015. Collection method: clinical testing. Allele origin: germline.
Comment: Variant summary: SPRED1 c.1281_*4dup59 is located in the untranslated mRNA region downstream of the termination codon. The variant was absent in 251106 control chromosomes. The available data on variant occurrences in the general population are insufficient to allow any conclusion about variant significance. To our knowledge, no occurrence of c.1281_*4dup59 in individuals affected with Noonan Syndrome and Related Conditions and no experimental evidence demonstrating its impact on protein function have been reported. No clinical diagnostic laboratories have submitted clinical-significance assessments for this variant to ClinVar after 2014. Based on the evidence outlined above, the variant was classified as uncertain significance.